The following is an entry in ClinVar:

ClinVar aggregate classification (germline): Uncertain significance. Review status: criteria provided, multiple submitters, no conflicts (2 of 4 stars). 3 submissions from 3 submitters: Uncertain significance (3). Last evaluated 2024-09-29.

Conditions:
Autosomal recessive limb-girdle muscular dystrophy type 2Q (LGMDR17). Also called: MUSCULAR DYSTROPHY, LIMB-GIRDLE, AUTOSOMAL RECESSIVE 17. Identifiers: Orphanet 254361, MedGen C3150989, MONDO:0013390, OMIM 613723.
Epidermolysis bullosa simplex 5B, with muscular dystrophy (EBS5B). Also called: EPIDERMOLYSIS BULLOSA SIMPLEX AND LIMB-GIRDLE MUSCULAR DYSTROPHY; Epidermolysis bullosa simplex with muscular dystrophy. Identifiers: Orphanet 257, MedGen C2931072, MONDO:0009181, OMIM 226670.
Epidermolysis bullosa simplex, Ogna type (EBS5A). Also called: Pidermolysis bullosa simplex 5A, Ogna type; EPIDERMOLYSIS BULLOSA SIMPLEX 5A, OGNA TYPE. Identifiers: Orphanet 79401, MedGen C0432317, MONDO:0007555, OMIM 131950.
Epidermolysis bullosa simplex 5C, with pyloric atresia (EBS5C). Also called: PLEC-Related Epidermolysis Bullosa with Pyloric Atresia; Epidermolysis bullosa simplex with pyloric atresia; PLEC1-Related Epidermolysis Bullosa with Pyloric Atresia. Identifiers: Orphanet 158684, MedGen C2677349, MONDO:0012807, OMIM 612138.
Epidermolysis bullosa simplex with nail dystrophy (EBS5D). Identifiers: MedGen C4225309, MONDO:0014661, OMIM 616487.

Allele frequency attached by ClinVar (database versions not stated): gnomAD exomes 0.00001; TOPMed 0.00002; gnomAD 0.00003.

Submissions (3):

Labcorp Genetics (formerly Invitae), Labcorp
Classification: Uncertain significance for Autosomal recessive limb-girdle muscular dystrophy type 2Q; Epidermolysis bullosa simplex, Ogna type; Epidermolysis bullosa simplex with nail dystrophy; Epidermolysis bullosa simplex 5C, with pyloric atresia; Epidermolysis bullosa simplex 5B, with muscular dystrophy. Last evaluated: 2024-09-29. Review status: criteria provided, single submitter. Criteria: Invitae Variant Classification Sherloc (09022015). Collection method: clinical testing. Allele origin: germline.
Comment: This sequence change replaces arginine, which is basic and polar, with histidine, which is basic and polar, at codon 291 of the PLEC protein (p.Arg291His). This variant is present in population databases (rs781893683, gnomAD 0.0009%). This variant has not been reported in the literature in individuals affected with PLEC-related conditions. ClinVar contains an entry for this variant (Variation ID: 573274). Experimental studies and prediction algorithms are not available or were not evaluated, and the functional significance of this variant is currently unknown. In summary, the available evidence is currently insufficient to determine the role of this variant in disease. Therefore, it has been classified as a Variant of Uncertain Significance.

Revvity Omics, Revvity
Classification: Uncertain significance. Last evaluated: 2019-04-24. Review status: criteria provided, single submitter. Criteria: ACMG Guidelines, 2015. Collection method: clinical testing. Allele origin: germline.

CeGaT Center for Human Genetics Tuebingen
Classification: Uncertain significance. Last evaluated: 2017-04-01. Review status: criteria provided, single submitter. Criteria: CeGaT Center For Human Genetics Tuebingen Variant Classification Criteria Version 2. Collection method: clinical testing. Allele origin: germline. Affected: yes. Observed: 1 variant allele.

NM_201384.3(PLEC):c.791G>A (p.Arg264His)

Gene: PLEC (plectin; minus strand). Cytogenetic location: 8q24.3.
Variant type: single nucleotide variant.
Coding change: c.791G>A on transcript NM_201384.3 (MANE Select); coding-DNA position 791, G replaced by A.
Protein change: p.Arg264His; replaces arginine 264 with histidine.
Molecular consequence: missense variant.
Genome position (GRCh38, 1-based): chr8:143,935,045, C>T on the plus strand (G>A on the coding strand, the complement: PLEC is on the minus strand). VCF-style: chr8-143935045-C-T. GRCh37 (hg19) VCF-style: chr8-145009213-C-T.
Other names: c.872G>A, p.Arg291His (NM_000445.5); c.749G>A, p.Arg250His (NM_201378.4); c.725G>A, p.Arg242His (NM_201379.3); c.1202G>A, p.Arg401His (NM_201380.4); c.695G>A, p.Arg232His (NM_201381.3); c.791G>A, p.Arg264His (NM_201382.4); c.803G>A, p.Arg268His (NM_201383.3); c.872G>A (NM_000445.3); short protein forms R232H, R268H, R242H, R250H, R264H, R291H, R401H.
Identifiers: ClinVar variation 573274 (VCV000573274.50), dbSNP rs781893683, ClinGen allele CA187623627.
Genomic context (GRCh38, chr8:143,935,045, plus strand): 5'-CCCTGCCCTCCGGGCCCCCCACTCACGTTGGCCCTCACCCCATCCTGCACGTCCGGCACG[C>T]GGGGCATGGCGTCATACAGCGACGAGACGTAGGTGATGATGGACTTCTCGTCGGGCTGAG-3'
Protein context (NP_958786.1, residues 254-274): YVSSLYDAMP[Arg264His]VPDVQDGVRA